The following is an entry in ClinVar:

ClinVar aggregate classification (germline): Uncertain significance (1 of 4 stars; one submission).

Conditions:
Cutis laxa, autosomal dominant 3 (ADCL3). Identifiers: Orphanet 90348, MedGen C4225268, MONDO:0014706, OMIM 616603.
Autosomal dominant spastic paraplegia type 9. Identifiers: MedGen C1832669, MONDO:0015091.
de Barsy syndrome. Also called: Cutis laxa-corneal clouding-oligophrenia syndrome. Identifiers: Orphanet 2962, MedGen C0268354, MONDO:0017569.

Submission:

Labcorp Genetics (formerly Invitae), Labcorp
Classification: Uncertain significance for Autosomal dominant spastic paraplegia type 9; de Barsy syndrome; Cutis laxa, autosomal dominant 3. Last evaluated: 2022-04-23. Review status: criteria provided, single submitter. Criteria: Invitae Variant Classification Sherloc (09022015). Collection method: clinical testing. Allele origin: germline.
Comment: In summary, the available evidence is currently insufficient to determine the role of this variant in disease. Therefore, it has been classified as a Variant of Uncertain Significance. Algorithms developed to predict the effect of missense changes on protein structure and function (SIFT, PolyPhen-2, Align-GVGD) all suggest that this variant is likely to be tolerated. This variant has not been reported in the literature in individuals affected with ALDH18A1-related conditions. This variant is not present in population databases (gnomAD no frequency). This sequence change replaces isoleucine, which is neutral and non-polar, with methionine, which is neutral and non-polar, at codon 37 of the ALDH18A1 protein (p.Ile37Met).

NM_002860.4(ALDH18A1):c.111C>G (p.Ile37Met)

Gene: ALDH18A1 (aldehyde dehydrogenase 18 family member A1; minus strand). Cytogenetic location: 10q24.1.
Variant type: single nucleotide variant.
Coding change: c.111C>G on transcript NM_002860.4 (MANE Select); coding-DNA position 111, C replaced by G.
Protein change: p.Ile37Met; replaces isoleucine 37 with methionine.
Molecular consequence: missense variant. On other transcripts: intron variant (4).
Genome position (GRCh38, 1-based): chr10:95,643,184, G>C on the plus strand (C>G on the coding strand, the complement: ALDH18A1 is on the minus strand). VCF-style: chr10-95643184-G-C. GRCh37 (hg19) VCF-style: chr10-97402941-G-C.
Other names: c.111C>G, p.Ile37Met (NM_001017423.2, NM_001323413.2, NM_001323414.2 and 2 more transcripts); c.-78-9535C>G (NM_001323419.2); c.-30-5748C>G (NM_001323412.2, NM_001323418.2, NM_001323416.2); short protein forms I37M.
Identifiers: ClinVar variation 2068169 (VCV002068169.4), dbSNP rs2526937193, ClinGen allele CA377708478.